The following is an entry in ClinVar:

NM_003482.4(KMT2D):c.11812C>T (p.Gln3938Ter)

Gene: KMT2D (lysine methyltransferase 2D; minus strand). Cytogenetic location: 12q13.12.
Variant type: single nucleotide variant.
Coding change: c.11812C>T on transcript NM_003482.4 (MANE Select); coding-DNA position 11812, C replaced by T.
Protein change: p.Gln3938Ter; replaces glutamine 3938 with a stop codon.
Molecular consequence: nonsense.
Genome position (GRCh38, 1-based): chr12:49,032,893, G>A on the plus strand (C>T on the coding strand, the complement: KMT2D is on the minus strand). VCF-style: chr12-49032893-G-A. GRCh37 (hg19) VCF-style: chr12-49426676-G-A.
Other names: short protein forms Q3938*.
Identifiers: ClinVar variation 531890 (VCV000531890.1), dbSNP rs1350605713, ClinGen allele CA384715136.
Genomic context (GRCh38, chr12:49,032,893, plus strand): 5'-GCTGTTGTAGCTGCTGTTGCTGCTGTTGAAGCTGTTGCTGCTGCTGTTGTTGAAGCTGCT[G>A]CTGCTGTTGCTGCTGTTGAAGCTGTTGCTGCTGAAGTTGCTGTTGCTGTTGTAGCTGCTG-3'

ClinVar aggregate classification (germline): Pathogenic (1 of 4 stars; one submission).

Conditions:
Kabuki syndrome. Also called: Kabuki make-up syndrome; NIIKAWA-KUROKI SYNDROME. Identifiers: Orphanet 2322, MedGen C0796004, MONDO:0016512.

Submission:

Labcorp Genetics (formerly Invitae), Labcorp
Classification: Pathogenic for Kabuki syndrome. Last evaluated: 2017-12-20. Review status: criteria provided, single submitter. Criteria: Invitae Variant Classification Sherloc (09022015). Collection method: clinical testing. Allele origin: germline.
Comment: This sequence change creates a premature translational stop signal (p.Gln3938*) in the KMT2D gene. It is expected to result in an absent or disrupted protein product. This variant is not present in population databases (ExAC no frequency). This variant has not been reported in the literature in individuals with KMT2D-related disease. Loss-of-function variants in KMT2D are known to be pathogenic (PMID: 22126750). For these reasons, this variant has been classified as Pathogenic.